The following is an entry in ClinVar:

ClinVar aggregate classification (germline): Conflicting classifications of pathogenicity. Review status: criteria provided, conflicting classifications (1 of 4 stars). 2 submissions from 2 submitters: Pathogenic (1); Uncertain significance (1). Last evaluated 2024-05-16.

Conditions:
BEST1-related disorder. Also called: BEST1-related disorders; BEST1-related condition. Identifiers: MedGen CN239200.

Submissions (2):

Labcorp Genetics (formerly Invitae), Labcorp
Classification: Uncertain significance. Last evaluated: 2024-05-16. Review status: criteria provided, single submitter. Criteria: Invitae Variant Classification Sherloc (09022015). Collection method: clinical testing. Allele origin: germline.
Comment: This variant, c.953_958del, results in the deletion of 2 amino acid(s) of the BEST1 protein (p.Ser318_Leu319del), but otherwise preserves the integrity of the reading frame. This variant is not present in population databases (gnomAD no frequency). This variant has not been reported in the literature in individuals affected with BEST1-related conditions. Experimental studies and prediction algorithms are not available or were not evaluated, and the functional significance of this variant is currently unknown. In summary, the available evidence is currently insufficient to determine the role of this variant in disease. Therefore, it has been classified as a Variant of Uncertain Significance.

Blueprint Genetics
Classification: Pathogenic for BEST1-related disorders. Last evaluated: 2020-04-27. Review status: criteria provided, single submitter. Criteria: ACMG Guidelines, 2015. Collection method: clinical testing. Allele origin: germline. Affected: yes. Observed: 1 variant allele.

NM_004183.4(BEST1):c.953_958del (p.Ser318_Leu319del)

Gene: BEST1 (bestrophin 1; plus strand). Cytogenetic location: 11q12.3.
Variant type: Deletion.
Coding change: c.953_958del on transcript NM_004183.4 (MANE Select); coding-DNA positions 953 to 958, 6 bases deleted (CCCTGT; older notation c.953_958delCCCTGT).
Protein change: p.Ser318_Leu319del.
Molecular consequence: inframe deletion. On other transcripts: inframe indel (3), non-coding transcript variant (1).
Genome position (GRCh38, 1-based): chr11:61,959,896-61,959,901, CCCTGT deleted; deleting any 6 consecutive bases within chr11:61,959,893-61,959,901 gives the same sequence; the c. name uses the placement nearest the transcript's 3' end. VCF-style (leftmost placement, unchanged base first): chr11-61959892-GTGTCCC-G. GRCh37 (hg19) VCF-style: chr11-61727364-GTGTCCC-G.
Other names: c.773_778delCCCTGT, p.Ser258_Leu259del (NM_001139443.3); c.692_697del, p.Ser231_Leu232del (NM_001300786.2); c.773_778del, p.Ser258_Leu259del (NM_001300787.2); c.635_640delCCCTGT, p.Ser212_Leu213del (NM_001363591.3); c.1156_1161delCCCTGT, p.Pro386_Cys387del (NM_001363592.2); c.-20_-15delCCCTGT (NM_001363593.3).
Identifiers: ClinVar variation 3721046 (VCV003721046.3).
Genomic context (GRCh38, chr11:61,959,892, plus strand): 5'-CATACAAGGTCCTGCCTGGGATGATCTTTCTGTGGGACTTCTTCTGTCCCTGGTGACCAG[GTGTCCC>G]TGTTGGCTGTGGATGAGATGCACCAGGACCTGCCTCGGATGGAGCCGGACATGTACTGGA-3'